The following is an entry in ClinVar:

ClinVar aggregate classification (germline): Uncertain significance (1 of 4 stars; one submission).

Submission:

Labcorp Genetics (formerly Invitae), Labcorp
Classification: Uncertain significance. Last evaluated: 2024-02-24. Review status: criteria provided, single submitter. Criteria: Invitae Variant Classification Sherloc (09022015). Collection method: clinical testing. Allele origin: germline.
Comment: This sequence change replaces valine, which is neutral and non-polar, with phenylalanine, which is neutral and non-polar, at codon 151 of the NARS2 protein (p.Val151Phe). This variant is not present in population databases (gnomAD no frequency). This variant has not been reported in the literature in individuals affected with NARS2-related conditions. ClinVar contains an entry for this variant (Variation ID: 1975835). Advanced modeling of protein sequence and biophysical properties (such as structural, functional, and spatial information, amino acid conservation, physicochemical variation, residue mobility, and thermodynamic stability) performed at Invitae indicates that this missense variant is not expected to disrupt NARS2 protein function with a negative predictive value of 80%. In summary, the available evidence is currently insufficient to determine the role of this variant in disease. Therefore, it has been classified as a Variant of Uncertain Significance.

NM_024678.6(NARS2):c.451G>T (p.Val151Phe)

Gene: NARS2 (asparaginyl-tRNA synthetase 2, mitochondrial; minus strand). Cytogenetic location: 11q14.1.
Variant type: single nucleotide variant.
Coding change: c.451G>T on transcript NM_024678.6 (MANE Select); coding-DNA position 451, G replaced by T.
Protein change: p.Val151Phe; replaces valine 151 with phenylalanine.
Molecular consequence: missense variant. On other transcripts: 5 prime UTR variant (1).
Genome position (GRCh38, 1-based): chr11:78,566,194, C>A on the plus strand (G>T on the coding strand, the complement: NARS2 is on the minus strand). VCF-style: chr11-78566194-C-A. GRCh37 (hg19) VCF-style: chr11-78277240-C-A.
Other names: c.-231G>T (NM_001243251.2); short protein forms V151F.
Identifiers: ClinVar variation 1975835 (VCV001975835.5), dbSNP rs769118312, ClinGen allele CA382179910.